The following is an entry in ClinVar:

ClinVar aggregate classification (germline): Conflicting classifications of pathogenicity. Review status: criteria provided, conflicting classifications (1 of 4 stars). 8 submissions from 7 submitters: Uncertain significance (1); Benign (3); Likely benign (3). 1 of the submissions does not count toward it. Last evaluated 2025-12-15.

Conditions:
Brain small vessel disease 1 with or without ocular anomalies (BSVD1). Also called: Brain small vessel disease with or without ocular anomalies; PORENCEPHALY, TYPE 1, AUTOSOMAL DOMINANT; BRAIN SMALL VESSEL DISEASE WITH HEMORRHAGE; GOULD SYNDROME 1. Identifiers: MONDO:0008289, OMIM 175780, Orphanet 2940, Orphanet 36383, Orphanet 99810, MedGen C4755307.
COL4A1-related disorder. Also called: COL4A1-related disorders; COL4A1-related condition. Identifiers: MedGen CN376119, MONDO:0800461.
Autosomal dominant familial hematuria-retinal arteriolar tortuosity-contractures syndrome. Also called: Hereditary Angiopathy with Nephropathy, Aneurysms, and Muscle Cramps (HANAC) Syndrome; Angiopathy, hereditary, with nephropathy, aneurysms, and muscle cramps. Identifiers: Orphanet 73229, MedGen C2673195, MONDO:0012726, OMIM 611773.

Allele frequency attached by ClinVar (database versions not stated): ExAC 0.00009; gnomAD exomes 0.00013 and 0.00047; TOPMed 0.00016; gnomAD 0.00019 and 0.00020; ESP Exome Variant Server 0.00023.
gnomAD v4.1: 688 of 1,613,664 alleles (0.043%); highest among the groups gnomAD compares: Non-Finnish European, 0.057%; 1 homozygote.

Submissions (8):

Labcorp Genetics (formerly Invitae), Labcorp
Classification: Likely benign. Last evaluated: 2025-12-15. Review status: criteria provided, single submitter. Criteria: Invitae Variant Classification Sherloc (09022015). Collection method: clinical testing. Allele origin: germline.

CeGaT Center for Human Genetics Tuebingen
Classification: Likely benign. Last evaluated: 2025-08-01. Review status: criteria provided, single submitter. Criteria: CeGaT Center For Human Genetics Tuebingen Variant Classification Criteria Version 2. Collection method: clinical testing. Allele origin: germline. Affected: yes. Observed: 6 variant alleles.
Comment: COL4A1: BS2

Laboratory of Genetics, Children's Clinical University Hospital Latvia
Classification: Benign. Last evaluated: 2025-02-16. Review status: criteria provided, single submitter. Criteria: ACMG Guidelines, 2015. Collection method: clinical testing. Allele origin: germline. Affected: yes.

Revvity Omics, Revvity
Classification: Uncertain significance. Last evaluated: 2024-06-28. Review status: criteria provided, single submitter. Criteria: ACMG Guidelines, 2015. Collection method: clinical testing. Allele origin: germline.

GeneDx
Classification: Likely benign. Last evaluated: 2021-06-01. Review status: criteria provided, single submitter. Criteria: GeneDx Variant Classification Process June 2021. Collection method: clinical testing. Allele origin: germline. Affected: yes.
Comment: Identified in a patient with status epilepticus, developmental delay, and hypotonia in published literature, but familial segregation information was not provided (Hesse et al., 2018); This variant is associated with the following publications: (PMID: 21625620, 29778030, 27535533, 31996268)

Illumina Laboratory Services, Illumina
Classification: Benign for Brain small vessel disease 1 with or without ocular anomalies. Last evaluated: 2017-04-28. Review status: criteria provided, single submitter. Criteria: ICSL Variant Classification Criteria 13 December 2019. Collection method: clinical testing. Allele origin: germline.
Comment: This variant was observed as part of a predisposition screen in an ostensibly healthy population. A literature search was performed for the gene, cDNA change, and amino acid change (where applicable). Publications were found based on this search. The evidence from the literature, in combination with allele frequency data from public databases where available, was sufficient to rule this variant out of causing disease. Therefore, this variant is classified as benign.

Illumina Laboratory Services, Illumina
Classification: Benign for Autosomal dominant familial hematuria-retinal arteriolar tortuosity-contractures syndrome. Last evaluated: 2017-04-28. Review status: criteria provided, single submitter. Criteria: ICSL Variant Classification Criteria 13 December 2019. Collection method: clinical testing. Allele origin: germline.
Comment: the same text as in the submission from Illumina Laboratory Services, Illumina above.

PreventionGenetics, part of Exact Sciences
Classification: Uncertain significance for COL4A1-related condition. Last evaluated: 2024-03-27. Review status: no assertion criteria provided. Collection method: clinical testing. Allele origin: germline. Not counted in ClinVar's aggregate classification.
Comment: The COL4A1 c.3946C>G variant is predicted to result in the amino acid substitution p.Gln1316Glu. This variant was reported in an individual with congenital muscular dystrophy with ocular and cerebral involvement and was also present in the patient’s father (Labelle-Dumais et al 2011. PubMed ID: 21625620). This variant was also reported as likely pathogenic in an individual with status epilepticus, development delay, hypotonia, and sleep disturbances (Patient 38, Hesse et al 2018. PubMed ID: 29778030). This variant was also identified in a study of individuals with dementia with Lewy bodies (Supplementary Table 3, Orme et al 2020. PubMed ID: 31996268). This variant is reported in 0.023% of alleles in individuals of European (Non-Finnish) descent in gnomAD, which may be too common to be causative. This variant is interpreted as benign and likely benign in the ClinVar database by multiple laboratories. Although we suspect this variant may be benign, at this time, the clinical significance is uncertain due to the absence of conclusive functional and genetic evidence.

Literature cited by the submitters: PubMed 21625620 (cited by Illumina Laboratory Services, Illumina).

NM_001845.6(COL4A1):c.3946C>G (p.Gln1316Glu)

Gene: COL4A1 (collagen type IV alpha 1 chain; minus strand). Cytogenetic location: 13q34.
Variant type: single nucleotide variant.
Coding change: c.3946C>G on transcript NM_001845.6 (MANE Select); coding-DNA position 3946, C replaced by G.
Protein change: p.Gln1316Glu; replaces glutamine 1316 with glutamic acid.
Molecular consequence: missense variant.
Genome position (GRCh38, 1-based): chr13:110,167,161, G>C on the plus strand (C>G on the coding strand, the complement: COL4A1 is on the minus strand). VCF-style: chr13-110167161-G-C. GRCh37 (hg19) VCF-style: chr13-110819508-G-C.
Other names: c.3946C>G (NM_001845.5); short protein forms Q1316E.
Identifiers: ClinVar variation 418141 (VCV000418141.47), dbSNP rs377122126, ClinGen allele CA7047098.